The following is an entry in ClinVar:

ClinVar aggregate classification (germline): Uncertain significance (1 of 4 stars; one submission).

gnomAD v4.1: 5 of 1,614,162 alleles (0.00031%); highest among the groups gnomAD compares: East Asian, 0.0022%; no homozygotes.

Submission:

Labcorp Genetics (formerly Invitae), Labcorp
Classification: Uncertain significance. Last evaluated: 2023-07-15. Review status: criteria provided, single submitter. Criteria: Invitae Variant Classification Sherloc (09022015). Collection method: clinical testing. Allele origin: germline.
Comment: This variant has not been reported in the literature in individuals affected with CLTC-related conditions. This sequence change replaces tyrosine, which is neutral and polar, with cysteine, which is neutral and slightly polar, at codon 1172 of the CLTC protein (p.Tyr1172Cys). This variant is present in population databases (no rsID available, gnomAD 0.006%). Advanced modeling of protein sequence and biophysical properties (such as structural, functional, and spatial information, amino acid conservation, physicochemical variation, residue mobility, and thermodynamic stability) performed at Invitae indicates that this missense variant is not expected to disrupt CLTC protein function. In summary, the available evidence is currently insufficient to determine the role of this variant in disease. Therefore, it has been classified as a Variant of Uncertain Significance.

NM_004859.4(CLTC):c.3503A>G (p.Tyr1168Cys)

Gene: CLTC (clathrin heavy chain; plus strand). Cytogenetic location: 17q23.1.
Variant type: single nucleotide variant.
Coding change: c.3503A>G on transcript NM_004859.4 (MANE Select); coding-DNA position 3503, A replaced by G.
Protein change: p.Tyr1168Cys; replaces tyrosine 1168 with cysteine.
Molecular consequence: missense variant.
Genome position (GRCh38, 1-based): chr17:59,682,331, A>G. VCF-style: chr17-59682331-A-G. GRCh37 (hg19) VCF-style: chr17-57759692-A-G.
Other names: c.3515A>G, p.Tyr1172Cys (NM_001288653.2); short protein forms Y1172C, Y1168C.
Identifiers: ClinVar variation 2864499 (VCV002864499.3), dbSNP rs535063340, ClinGen allele CA400417961.